The following is an entry in ClinVar:

NM_001128126.3(AP4S1):c.143_144del (p.Ser48fs)

Gene: AP4S1 (adaptor related protein complex 4 subunit sigma 1; plus strand). Cytogenetic location: 14q12.
Variant type: Microsatellite.
Coding change: c.143_144del on transcript NM_001128126.3 (MANE Select); coding-DNA positions 143 to 144, 2 bases deleted (CT; older notation c.143_144delCT).
Protein change: p.Ser48fs; shifts the reading frame from serine 48.
Molecular consequence: frameshift variant.
Genome position (GRCh38, 1-based): chr14:31,069,847-31,069,848, CT deleted; deleting any 2 consecutive bases within chr14:31,069,845-31,069,848 gives the same sequence; the c. name uses the placement nearest the transcript's 3' end. VCF-style (leftmost placement, unchanged base first): chr14-31069844-GCT-G. GRCh37 (hg19) VCF-style: chr14-31539050-GCT-G.
Other names: c.143_144del, p.Ser48fs (NM_001254726.2, NM_001254727.2, NM_001254728.2 and 2 more transcripts); short protein forms S48fs.
Identifiers: ClinVar variation 2139018 (VCV002139018.4), dbSNP rs777974629, ClinGen allele CA7144179.

ClinVar aggregate classification (germline): Pathogenic (1 of 4 stars; one submission).

Conditions:
Spastic paraplegia. Identifiers: MedGen C0037772, HP:0001258.

Submission:

Labcorp Genetics (formerly Invitae), Labcorp
Classification: Pathogenic for Spastic paraplegia. Last evaluated: 2023-12-11. Review status: criteria provided, single submitter. Criteria: Invitae Variant Classification Sherloc (09022015). Collection method: clinical testing. Allele origin: germline.
Comment: This sequence change creates a premature translational stop signal (p.Ser48Phefs*3) in the AP4S1 gene. It is expected to result in an absent or disrupted protein product. Loss-of-function variants in AP4S1 are known to be pathogenic (PMID: 21620353, 25552650, 27444738). This variant is present in population databases (rs777974629, gnomAD 0.006%). This variant has not been reported in the literature in individuals affected with AP4S1-related conditions. For these reasons, this variant has been classified as Pathogenic.

Literature cited by the submitters: PubMed 21620353; PubMed 25552650; PubMed 27444738.